The following is an entry in ClinVar:

NM_000215.4(JAK3):c.251C>T (p.Pro84Leu)

Gene: JAK3 (Janus kinase 3; minus strand). Cytogenetic location: 19p13.11.
Variant type: single nucleotide variant.
Coding change: c.251C>T on transcript NM_000215.4 (MANE Select); coding-DNA position 251, C replaced by T.
Protein change: p.Pro84Leu; replaces proline 84 with leucine.
Molecular consequence: missense variant.
Genome position (GRCh38, 1-based): chr19:17,843,834, G>A on the plus strand (C>T on the coding strand, the complement: JAK3 is on the minus strand). VCF-style: chr19-17843834-G-A. GRCh37 (hg19) VCF-style: chr19-17954643-G-A.
Other names: short protein forms P84L.
Identifiers: ClinVar variation 2172905 (VCV002172905.1), dbSNP rs201067961, ClinGen allele CA9302215.

ClinVar aggregate classification (germline): Uncertain significance (1 of 4 stars; one submission).

Conditions:
T-B+ severe combined immunodeficiency due to JAK3 deficiency. Also called: SCID, T CELL-NEGATIVE, B CELL-POSITIVE, NK CELL-NEGATIVE; SCID, autosomal recessive, T-negative/B-positive type. Identifiers: Orphanet 35078, MedGen C1833275, MONDO:0010938, OMIM 600802.

Allele frequency attached by ClinVar (database versions not stated): gnomAD 0.00001; gnomAD exomes 0.00001; TOPMed 0.00001.

Submission:

Labcorp Genetics (formerly Invitae), Labcorp
Classification: Uncertain significance for T-B+ severe combined immunodeficiency due to JAK3 deficiency. Last evaluated: 2022-07-21. Review status: criteria provided, single submitter. Criteria: Invitae Variant Classification Sherloc (09022015). Collection method: clinical testing. Allele origin: germline.
Comment: This sequence change replaces proline, which is neutral and non-polar, with leucine, which is neutral and non-polar, at codon 84 of the JAK3 protein (p.Pro84Leu). This variant is present in population databases (rs201067961, gnomAD 0.007%). This variant has not been reported in the literature in individuals affected with JAK3-related conditions. Algorithms developed to predict the effect of missense changes on protein structure and function are either unavailable or do not agree on the potential impact of this missense change (SIFT: "Deleterious"; PolyPhen-2: "Probably Damaging"; Align-GVGD: "Class C0"). In summary, the available evidence is currently insufficient to determine the role of this variant in disease. Therefore, it has been classified as a Variant of Uncertain Significance.